The following is an entry in ClinVar:

ClinVar aggregate classification (germline): Uncertain significance (1 of 4 stars; one submission).

Conditions:
Autosomal recessive limb-girdle muscular dystrophy type 2Q (LGMDR17). Also called: MUSCULAR DYSTROPHY, LIMB-GIRDLE, AUTOSOMAL RECESSIVE 17. Identifiers: Orphanet 254361, MedGen C3150989, MONDO:0013390, OMIM 613723.
Epidermolysis bullosa simplex 5B, with muscular dystrophy (EBS5B). Also called: Epidermolysis bullosa simplex with muscular dystrophy; EPIDERMOLYSIS BULLOSA SIMPLEX AND LIMB-GIRDLE MUSCULAR DYSTROPHY. Identifiers: Orphanet 257, MedGen C2931072, MONDO:0009181, OMIM 226670.
Epidermolysis bullosa simplex, Ogna type (EBS5A). Also called: Pidermolysis bullosa simplex 5A, Ogna type; EPIDERMOLYSIS BULLOSA SIMPLEX 5A, OGNA TYPE. Identifiers: Orphanet 79401, MedGen C0432317, MONDO:0007555, OMIM 131950.
Epidermolysis bullosa simplex 5C, with pyloric atresia (EBS5C). Also called: PLEC1-Related Epidermolysis Bullosa with Pyloric Atresia; Epidermolysis bullosa simplex with pyloric atresia; PLEC-Related Epidermolysis Bullosa with Pyloric Atresia. Identifiers: Orphanet 158684, MedGen C2677349, MONDO:0012807, OMIM 612138.
Epidermolysis bullosa simplex with nail dystrophy (EBS5D). Identifiers: MedGen C4225309, MONDO:0014661, OMIM 616487.

Allele frequency attached by ClinVar (database versions not stated): TOPMed below 0.00001.
gnomAD v4.1: 11 of 1,571,694 alleles (0.0007%); highest among the groups gnomAD compares: East Asian, 0.0023%; no homozygotes.

Submission:

Labcorp Genetics (formerly Invitae), Labcorp
Classification: Uncertain significance for Autosomal recessive limb-girdle muscular dystrophy type 2Q; Epidermolysis bullosa simplex, Ogna type; Epidermolysis bullosa simplex with nail dystrophy; Epidermolysis bullosa simplex 5C, with pyloric atresia; Epidermolysis bullosa simplex 5B, with muscular dystrophy. Last evaluated: 2025-06-03. Review status: criteria provided, single submitter. Criteria: Invitae Variant Classification Sherloc (09022015). Collection method: clinical testing. Allele origin: germline.
Comment: This sequence change replaces arginine, which is basic and polar, with histidine, which is basic and polar, at codon 1049 of the PLEC protein (p.Arg1049His). The frequency data for this variant in the population databases is considered unreliable, as metrics indicate poor data quality at this position in the gnomAD database. This variant has not been reported in the literature in individuals affected with PLEC-related conditions. ClinVar contains an entry for this variant (Variation ID: 849734). Invitae Evidence Modeling of protein sequence and biophysical properties (such as structural, functional, and spatial information, amino acid conservation, physicochemical variation, residue mobility, and thermodynamic stability) indicates that this missense variant is not expected to disrupt PLEC protein function with a negative predictive value of 80%. In summary, the available evidence is currently insufficient to determine the role of this variant in disease. Therefore, it has been classified as a Variant of Uncertain Significance.

NM_201384.3(PLEC):c.3065G>A (p.Arg1022His)

Gene: PLEC (plectin; minus strand). Cytogenetic location: 8q24.3.
Variant type: single nucleotide variant.
Coding change: c.3065G>A on transcript NM_201384.3 (MANE Select); coding-DNA position 3065, G replaced by A.
Protein change: p.Arg1022His; replaces arginine 1022 with histidine.
Molecular consequence: missense variant.
Genome position (GRCh38, 1-based): chr8:143,929,430, C>T on the plus strand (G>A on the coding strand, the complement: PLEC is on the minus strand). VCF-style: chr8-143929430-C-T. GRCh37 (hg19) VCF-style: chr8-145003598-C-T.
Other names: c.3077G>A, p.Arg1026His (NM_201383.3); c.3146G>A, p.Arg1049His (NM_000445.5); c.3023G>A, p.Arg1008His (NM_201378.4); c.2999G>A, p.Arg1000His (NM_201379.3); c.3476G>A, p.Arg1159His (NM_201380.4); c.2969G>A, p.Arg990His (NM_201381.3); c.3065G>A, p.Arg1022His (NM_201382.4); short protein forms R1159H, R1008H, R1022H, R990H, R1000H, R1026H, R1049H.
Identifiers: ClinVar variation 849734 (VCV000849734.2), dbSNP rs782471913, ClinGen allele CA4927241.
Genomic context (GRCh38, chr8:143,929,430, plus strand): 5'-GATGGGGAGAGGGATGGGACTGGATGGGGGGGGACGGCCCCTGCCTGCTGCTCGGCGATG[C>T]GCTGGGCACACTCCCGTGCCGGCTCTTTGTCCAGCGGCAGCCGCAGGCGGTGCACGGTGC-3'
Protein context (NP_958786.1, residues 1012-1032): DKEPARECAQ[Arg1022His]IAEQQKAQAE